The following is an entry in ClinVar:

ClinVar aggregate classification (germline): Uncertain significance (1 of 4 stars; one submission).

Allele frequency attached by ClinVar (database versions not stated): TOPMed below 0.00001.

Submission:

Labcorp Genetics (formerly Invitae), Labcorp
Classification: Uncertain significance. Last evaluated: 2021-06-29. Review status: criteria provided, single submitter. Criteria: Invitae Variant Classification Sherloc (09022015). Collection method: clinical testing. Allele origin: germline.
Comment: This sequence change replaces leucine with valine at codon 298 of the ADAMTS18 protein (p.Leu298Val). The leucine residue is highly conserved and there is a small physicochemical difference between leucine and valine. This variant is not present in population databases (ExAC no frequency). This variant has not been reported in the literature in individuals affected with ADAMTS18-related conditions. Algorithms developed to predict the effect of missense changes on protein structure and function are either unavailable or do not agree on the potential impact of this missense change (SIFT: "Not Available"; PolyPhen-2: "Probably Damaging"; Align-GVGD: "Not Available"). In summary, the available evidence is currently insufficient to determine the role of this variant in disease. Therefore, it has been classified as a Variant of Uncertain Significance.

NM_199355.4(ADAMTS18):c.892C>G (p.Leu298Val)

Gene: ADAMTS18 (ADAM metallopeptidase with thrombospondin type 1 motif 18; minus strand). Cytogenetic location: 16q23.1.
Variant type: single nucleotide variant.
Coding change: c.892C>G on transcript NM_199355.4 (MANE Select); coding-DNA position 892, C replaced by G.
Protein change: p.Leu298Val; replaces leucine 298 with valine.
Molecular consequence: missense variant.
Genome position (GRCh38, 1-based): chr16:77,364,268, G>C on the plus strand (C>G on the coding strand, the complement: ADAMTS18 is on the minus strand). VCF-style: chr16-77364268-G-C. GRCh37 (hg19) VCF-style: chr16-77398165-G-C.
Other names: c.376C>G, p.Leu126Val (NM_001326358.2); short protein forms L298V, L126V.
Identifiers: ClinVar variation 1450609 (VCV001450609.8), dbSNP rs2056759211, ClinGen allele CA396836724.